The following is an entry in ClinVar:

NM_016222.4(DDX41):c.27+3A>C

Gene: DDX41 (DEAD-box helicase 41; minus strand). Cytogenetic location: 5q35.3.
Variant type: single nucleotide variant.
Coding change: c.27+3A>C on transcript NM_016222.4 (MANE Select); 3 bases into the intron after coding-DNA position 27, A replaced by C.
Molecular consequence: intron variant.
Genome position (GRCh38, 1-based): chr5:177,516,916, T>G on the plus strand (A>C on the coding strand, the complement: DDX41 is on the minus strand). VCF-style: chr5-177516916-T-G. GRCh37 (hg19) VCF-style: chr5-176943917-T-G.
Other names: c.-421+3A>C (NM_001321830.2); c.-629+3A>C (NM_001321732.2).
Identifiers: ClinVar variation 2869159 (VCV002869159.3), dbSNP rs2532092347, ClinGen allele CA2676744786.

ClinVar aggregate classification (germline): Uncertain significance (1 of 4 stars; one submission).

Allele frequency attached by ClinVar (database versions not stated): gnomAD exomes below 0.00001.
gnomAD v4.1: 1 of 1,613,262 alleles (0.000062%); highest among the groups gnomAD compares: East Asian, 0.0022%; no homozygotes.

Submission:

Labcorp Genetics (formerly Invitae), Labcorp
Classification: Uncertain significance. Last evaluated: 2023-07-10. Review status: criteria provided, single submitter. Criteria: Invitae Variant Classification Sherloc (09022015). Collection method: clinical testing. Allele origin: germline.
Comment: In summary, the available evidence is currently insufficient to determine the role of this variant in disease. Therefore, it has been classified as a Variant of Uncertain Significance. Variants that disrupt the consensus splice site are a relatively common cause of aberrant splicing (PMID: 17576681, 9536098). Algorithms developed to predict the effect of sequence changes on RNA splicing suggest that this variant may disrupt the consensus splice site. This variant has not been reported in the literature in individuals affected with DDX41-related conditions. This variant is not present in population databases (gnomAD no frequency). This sequence change falls in intron 1 of the DDX41 gene. It does not directly change the encoded amino acid sequence of the DDX41 protein. It affects a nucleotide within the consensus splice site.

Literature cited by the submitters: PubMed 17576681; PubMed 9536098.